The following is an entry in ClinVar:

ClinVar aggregate classification (germline): Pathogenic (1 of 4 stars; one submission).

Conditions:
46,XY sex reversal 1. Also called: 46,XY SEX REVERSAL, SRY-RELATED; SRY-related 46,XY complete gonadal dysgenesis. Identifiers: Orphanet 242, MedGen C2748896, MONDO:0020712, OMIM 400044.

Submission:

Labcorp Genetics (formerly Invitae), Labcorp
Classification: Pathogenic for 46,XY sex reversal 1. Last evaluated: 2023-01-17. Review status: criteria provided, single submitter. Criteria: Invitae Variant Classification Sherloc (09022015). Collection method: clinical testing. Allele origin: germline.
Comment: For these reasons, this variant has been classified as Pathogenic. This variant disrupts a region of the SRY protein in which other variant(s) (p.Ser88*) have been determined to be pathogenic (Invitae). This suggests that this is a clinically significant region of the protein, and that variants that disrupt it are likely to be disease-causing. This variant has not been reported in the literature in individuals affected with SRY-related conditions. The frequency data for this variant in the population databases is considered unreliable, as metrics indicate insufficient coverage at this position in the gnomAD database. This sequence change creates a premature translational stop signal (p.Gly49*) in the SRY gene. While this is not anticipated to result in nonsense mediated decay, it is expected to disrupt the last 156 amino acid(s) of the SRY protein.

NM_003140.3(SRY):c.145G>T (p.Gly49Ter)

Gene: SRY (sex determining region Y; minus strand). Cytogenetic location: Yp11.2.
Variant type: single nucleotide variant.
Coding change: c.145G>T on transcript NM_003140.3 (MANE Select); coding-DNA position 145, G replaced by T.
Protein change: p.Gly49Ter; replaces glycine 49 with a stop codon.
Molecular consequence: nonsense.
Genome position (GRCh38, 1-based): chrY:2,787,459, C>A on the plus strand (G>T on the coding strand, the complement: SRY is on the minus strand). VCF-style: chrY-2787459-C-A. GRCh37 (hg19) VCF-style: chrY-2655500-C-A.
Other names: short protein forms G49*.
Identifiers: ClinVar variation 2829588 (VCV002829588.3), dbSNP rs2124486390, ClinGen allele CA414941692.